The following is an entry in ClinVar:

NM_130839.5(UBE3A):c.422_423del (p.Glu141fs)

Genes: SNHG14 (small nucleolar RNA host gene 14; plus strand), UBE3A (ubiquitin protein ligase E3A; minus strand). Cytogenetic location: 15q11.2.
Variant type: Microsatellite.
Coding change: c.422_423del on transcript NM_130839.5 (MANE Select); coding-DNA positions 422 to 423, 2 bases deleted (AG; older notation c.422_423delAG).
Protein change: p.Glu141fs; shifts the reading frame from glutamic acid 141.
Molecular consequence: frameshift variant. On other transcripts: non-coding transcript variant (1), intron variant (2).
Genome position (GRCh38, 1-based): chr15:25,371,751-25,371,752, CT deleted on the plus strand (AG on the coding strand, the reverse complement: UBE3A is on the minus strand); deleting any 2 consecutive bases within chr15:25,371,751-25,371,756 gives the same sequence; the c. name uses the placement nearest the transcript's 3' end. VCF-style (leftmost placement, unchanged base first): chr15-25371750-CCT-C. GRCh37 (hg19) VCF-style: chr15-25616897-CCT-C.
Other names: c.431_432del, p.Glu144fs (NM_000462.5); c.422_423del, p.Glu141fs (NM_001354505.1, NM_001354538.2, NM_001354545.2); c.362_363del, p.Glu121fs (NM_001354506.2, NM_001354507.2, NM_001354508.2 and 17 more transcripts); c.245_246del, p.Glu82fs (NM_001354546.2); c.301+3709AG[2] (NM_001354551.2); c.361+3709AG[2] (NM_001354550.2); short protein forms E82fs, E144fs, E121fs, E141fs.
Identifiers: ClinVar variation 136193 (VCV000136193.5), dbSNP rs587780571, ClinGen allele CA333462.
Genomic context (GRCh38, chr15:25,371,750, plus strand): 5'-GTACCAATGCCTCAGCACTAGAAAAAACTCTTCCAATAACACGGATTAAAGGGGAATAAT[CCT>C]CTCTTTCTCTACATAATTCAAGAATTTCATATACCTTCTCTTCTGTTAAGTAAGTCACAT-3'

ClinVar aggregate classification (germline): Pathogenic. Review status: criteria provided, single submitter (1 of 4 stars). 2 submissions from 2 submitters: Pathogenic (1). 1 of the submissions does not count toward it. Last evaluated 2022-10-13.

Conditions:
Angelman syndrome (AS). Also called: HAPPY PUPPET SYNDROME. Identifiers: Orphanet 72, MedGen C0162635, MONDO:0007113, OMIM 105830. Disease mechanism: loss of function. Inheritance: AS is caused by disruption of maternally imprinted UBE3A located within the 15q11.2-q13 Angelman syndrome/Prader-Willi syndrome (AS/PWS) region., imprinting disorder.

Submissions (2):

Labcorp Genetics (formerly Invitae), Labcorp
Classification: Pathogenic for Angelman syndrome. Last evaluated: 2022-10-13. Review status: criteria provided, single submitter. Criteria: Invitae Variant Classification Sherloc (09022015). Collection method: clinical testing. Allele origin: germline.
Comment: For these reasons, this variant has been classified as Pathogenic. This premature translational stop signal has been observed in individual(s) with Angelman syndrome (PMID: 10507736, 25212744). This variant is not present in population databases (gnomAD no frequency). This sequence change creates a premature translational stop signal (p.Glu121Glyfs*15) in the UBE3A gene. It is expected to result in an absent or disrupted protein product. Loss-of-function variants in UBE3A are known to be pathogenic (PMID: 25212744).

Baylor Genetics
Classification: Pathogenic for Angelman Syndrome. Last evaluated: 2014-02-14. Review status: no assertion criteria provided. Collection method: clinical testing. Allele origin: germline. Affected: yes. Observed: 1 variant allele. Study: UBE3A Mutation Study. Not counted in ClinVar's aggregate classification.
Comment: Data collected from clinical UBE3A sequence analysis results

Literature cited by the submitters: PubMed 10507736 (cited by Labcorp Genetics (formerly Invitae), Labcorp); PubMed 25212744 (cited by Labcorp Genetics (formerly Invitae), Labcorp and Baylor Genetics).